The following is an entry in ClinVar:

NM_001370259.2(MEN1):c.1172G>A (p.Gly391Glu)

Gene: MEN1 (menin 1; minus strand). Cytogenetic location: 11q13.1.
Variant type: single nucleotide variant.
Coding change: c.1172G>A on transcript NM_001370259.2 (MANE Select); coding-DNA position 1172, G replaced by A.
Protein change: p.Gly391Glu; replaces glycine 391 with glutamic acid.
Molecular consequence: missense variant.
Genome position (GRCh38, 1-based): chr11:64,805,648, C>T on the plus strand (G>A on the coding strand, the complement: MEN1 is on the minus strand). VCF-style: chr11-64805648-C-T. GRCh37 (hg19) VCF-style: chr11-64573120-C-T.
Other names: c.1187G>A, p.Gly396Glu (NM_000244.4, NM_130800.3, NM_130801.3 and 3 more transcripts); c.1298G>A, p.Gly433Glu (NM_001370251.2); c.1172G>A, p.Gly391Glu (NM_001370260.2, NM_001370261.2, NM_130799.3); c.1067G>A, p.Gly356Glu (NM_001370262.2, NM_001370263.2); short protein forms G356E, G391E, G396E, G433E.
Identifiers: ClinVar variation 1004263 (VCV001004263.10), dbSNP rs998827212, ClinGen allele CA223913956.

ClinVar aggregate classification (germline): Uncertain significance. Review status: criteria provided, multiple submitters, no conflicts (2 of 4 stars). 2 submissions from 2 submitters: Uncertain significance (2). Last evaluated 2025-03-26.

Conditions:
Multiple endocrine neoplasia, type 1 (MEN1). Also called: Endocrine adenomatosis multiple; MEN 1; MEN I; WERMER SYNDROME; MEA I. Identifiers: Orphanet 652, MedGen C0025267, MeSH D018761, MONDO:0007540, OMIM 131100.
Hereditary cancer-predisposing syndrome. Also called: Hereditary neoplastic syndrome; Neoplastic Syndromes, Hereditary; Tumor predisposition; Hereditary Cancer Syndrome. Identifiers: Orphanet 140162, MedGen C0027672, MeSH D009386, MONDO:0015356.

Submissions (2):

Ambry Genetics
Classification: Uncertain significance for Hereditary cancer-predisposing syndrome. Last evaluated: 2025-03-26. Review status: criteria provided, single submitter. Criteria: Ambry Variant Classification Scheme 2023. Collection method: clinical testing. Allele origin: germline.
Comment: The p.G391E variant (also known as c.1172G>A), located in coding exon 7 of the MEN1 gene, results from a G to A substitution at nucleotide position 1172. The glycine at codon 391 is replaced by glutamic acid, an amino acid with similar properties. This amino acid position is conserved. In addition, the in silico prediction for this alteration is inconclusive. Since supporting evidence is limited at this time, the clinical significance of this alteration remains unclear.

Labcorp Genetics (formerly Invitae), Labcorp
Classification: Uncertain significance for Multiple endocrine neoplasia, type 1. Last evaluated: 2023-10-08. Review status: criteria provided, single submitter. Criteria: Invitae Variant Classification Sherloc (09022015). Collection method: clinical testing. Allele origin: germline.
Comment: This sequence change replaces glycine, which is neutral and non-polar, with glutamic acid, which is acidic and polar, at codon 391 of the MEN1 protein (p.Gly391Glu). This variant is not present in population databases (gnomAD no frequency). This variant has not been reported in the literature in individuals affected with MEN1-related conditions. ClinVar contains an entry for this variant (Variation ID: 1004263). Advanced modeling of protein sequence and biophysical properties (such as structural, functional, and spatial information, amino acid conservation, physicochemical variation, residue mobility, and thermodynamic stability) performed at Invitae indicates that this missense variant is not expected to disrupt MEN1 protein function. In summary, the available evidence is currently insufficient to determine the role of this variant in disease. Therefore, it has been classified as a Variant of Uncertain Significance.